The following is an entry in ClinVar:

NM_006059.4(LAMC3):c.4526_4527del (p.Gln1509fs)

Gene: LAMC3 (laminin subunit gamma 3; plus strand). Cytogenetic location: 9q34.12.
Variant type: Deletion.
Coding change: c.4526_4527del on transcript NM_006059.4 (MANE Select); coding-DNA positions 4526 to 4527, 2 bases deleted (AG; older notation c.4526_4527delAG).
Protein change: p.Gln1509fs; shifts the reading frame from glutamine 1509.
Molecular consequence: frameshift variant.
Genome position (GRCh38, 1-based): chr9:131,091,585-131,091,586, AG deleted. VCF-style (leftmost placement, unchanged base first): chr9-131091584-CAG-C. GRCh37 (hg19) VCF-style: chr9-133966971-CAG-C.
Other names: short protein forms Q1509fs.
Identifiers: ClinVar variation 1393199 (VCV001393199.6), dbSNP rs2133358013, ClinGen allele CA2573144108.

ClinVar aggregate classification (germline): Uncertain significance (1 of 4 stars; one submission).

Submission:

Labcorp Genetics (formerly Invitae), Labcorp
Classification: Uncertain significance. Last evaluated: 2021-05-05. Review status: criteria provided, single submitter. Criteria: Invitae Variant Classification Sherloc (09022015). Collection method: clinical testing. Allele origin: germline.
Comment: This sequence change creates a premature translational stop signal (p.Gln1509Leufs*40) in the LAMC3 gene. While this is not anticipated to result in nonsense mediated decay, it is expected to disrupt the last 67 amino acid(s) of the LAMC3 protein. This variant is not present in population databases (ExAC no frequency). This variant has not been reported in the literature in individuals with LAMC3-related conditions. Experimental studies and prediction algorithms are not available or were not evaluated, and the functional significance of this variant is currently unknown. In summary, the available evidence is currently insufficient to determine the role of this variant in disease. Therefore, it has been classified as a Variant of Uncertain Significance.